The following is an entry in ClinVar:

NM_000081.4(LYST):c.8373_8376del (p.Leu2791fs)

Gene: LYST (lysosomal trafficking regulator; minus strand). Cytogenetic location: 1q42.3.
Variant type: Microsatellite.
Coding change: c.8373_8376del on transcript NM_000081.4 (MANE Select); coding-DNA positions 8373 to 8376, 4 bases deleted (AGTT; older notation c.8373_8376delAGTT).
Protein change: p.Leu2791fs; shifts the reading frame from leucine 2791.
Molecular consequence: frameshift variant.
Genome position (GRCh38, 1-based): chr1:235,734,642-235,734,645, AACT deleted on the plus strand (AGTT on the coding strand, the reverse complement: LYST is on the minus strand); deleting any 4 consecutive bases within chr1:235,734,642-235,734,649 gives the same sequence; the c. name uses the placement nearest the transcript's 3' end. VCF-style (leftmost placement, unchanged base first): chr1-235734641-AAACT-A. GRCh37 (hg19) VCF-style: chr1-235897941-AAACT-A.
Other names: c.8373_8376del, p.Leu2791fs (NM_001301365.1); short protein forms L2791fs.
Identifiers: ClinVar variation 2707465 (VCV002707465.3), dbSNP rs2527560402, ClinGen allele CA2697555025.

ClinVar aggregate classification (germline): Pathogenic (1 of 4 stars; one submission).

Conditions:
Chédiak-Higashi syndrome (CHS). Also called: Chediak-Higashi Syndrome. Identifiers: Orphanet 167, MedGen C0007965, MONDO:0008963, OMIM 214500.

Submission:

Labcorp Genetics (formerly Invitae), Labcorp
Classification: Pathogenic for Chédiak-Higashi syndrome. Last evaluated: 2024-03-10. Review status: criteria provided, single submitter. Criteria: Invitae Variant Classification Sherloc (09022015). Collection method: clinical testing. Allele origin: germline.
Comment: This sequence change creates a premature translational stop signal (p.Leu2791Phefs*7) in the LYST gene. It is expected to result in an absent or disrupted protein product. Loss-of-function variants in LYST are known to be pathogenic (PMID: 9215679, 11857544). This variant is not present in population databases (gnomAD no frequency). This variant has not been reported in the literature in individuals affected with LYST-related conditions. For these reasons, this variant has been classified as Pathogenic.

Literature cited by the submitters: PubMed 9215679; PubMed 11857544.